The following is an entry in ClinVar:

ClinVar aggregate classification (germline): Uncertain significance (1 of 4 stars; one submission).

Conditions:
Fanconi anemia (FA). Also called: Fanconi's anemia. Identifiers: Orphanet 84, MedGen C0015625, MeSH D005199, MONDO:0019391.

Allele frequency attached by ClinVar (database versions not stated): gnomAD exomes below 0.00001.
gnomAD v4.1: 2 of 1,614,024 alleles (0.00012%); highest among the groups gnomAD compares: Admixed American, 0.0017%; no homozygotes.

Submission:

Labcorp Genetics (formerly Invitae), Labcorp
Classification: Uncertain significance for Fanconi anemia. Last evaluated: 2023-05-09. Review status: criteria provided, single submitter. Criteria: Invitae Variant Classification Sherloc (09022015). Collection method: clinical testing. Allele origin: germline.
Comment: In summary, the available evidence is currently insufficient to determine the role of this variant in disease. Therefore, it has been classified as a Variant of Uncertain Significance. Algorithms developed to predict the effect of missense changes on protein structure and function output the following: SIFT: "Not Available"; PolyPhen-2: "Benign"; Align-GVGD: "Not Available". The valine amino acid residue is found in multiple mammalian species, which suggests that this missense change does not adversely affect protein function. This variant has not been reported in the literature in individuals affected with FANCM-related conditions. This variant is present in population databases (no rsID available, gnomAD 0.003%). This sequence change replaces isoleucine, which is neutral and non-polar, with valine, which is neutral and non-polar, at codon 16 of the FANCM protein (p.Ile16Val).

NM_020937.4(FANCM):c.46A>G (p.Ile16Val)

Gene: FANCM (FA complementation group M; plus strand). Cytogenetic location: 14q21.2.
Variant type: single nucleotide variant.
Coding change: c.46A>G on transcript NM_020937.4 (MANE Select); coding-DNA position 46, A replaced by G.
Protein change: p.Ile16Val; replaces isoleucine 16 with valine.
Molecular consequence: missense variant.
Genome position (GRCh38, 1-based): chr14:45,136,077, A>G. VCF-style: chr14-45136077-A-G. GRCh37 (hg19) VCF-style: chr14-45605280-A-G.
Other names: c.46A>G, p.Ile16Val (NM_001308133.2, NM_001308134.2); short protein forms I16V.
Identifiers: ClinVar variation 2916672 (VCV002916672.3), dbSNP rs755236908, ClinGen allele CA389586743.
Genomic context (GRCh38, chr14:45,136,077, plus strand): 5'-GTGGTTGTCGGCCTAATGAGCGGACGGCAAAGAACGCTTTTTCAGACGTGGGGCTCAAGT[A>G]TCTCCCGATCATCTGGGACTCCGGGTTGCAGCTCCGGAACTGAGCGACCTCAGAGCCCTG-3'
Protein context (NP_065988.1, residues 6-26): RTLFQTWGSS[Ile16Val]SRSSGTPGCS